The following is an entry in ClinVar:

ClinVar aggregate classification (germline): Uncertain significance (1 of 4 stars; one submission).

Submission:

Labcorp Genetics (formerly Invitae), Labcorp
Classification: Uncertain significance. Last evaluated: 2022-05-29. Review status: criteria provided, single submitter. Criteria: Invitae Variant Classification Sherloc (09022015). Collection method: clinical testing. Allele origin: germline.
Comment: This sequence change replaces aspartic acid, which is acidic and polar, with alanine, which is neutral and non-polar, at codon 68 of the CLDN1 protein (p.Asp68Ala). This variant is not present in population databases (gnomAD no frequency). This variant has not been reported in the literature in individuals affected with CLDN1-related conditions. Algorithms developed to predict the effect of missense changes on protein structure and function are either unavailable or do not agree on the potential impact of this missense change (SIFT: "Deleterious"; PolyPhen-2: "Probably Damaging"; Align-GVGD: "Class C0"). In summary, the available evidence is currently insufficient to determine the role of this variant in disease. Therefore, it has been classified as a Variant of Uncertain Significance.

NM_021101.5(CLDN1):c.203A>C (p.Asp68Ala)

Genes: CLDN1 (claudin 1; minus strand), CLDN16 (claudin 16; plus strand). Cytogenetic location: 3q28.
Variant type: single nucleotide variant.
Coding change: c.203A>C on transcript NM_021101.5 (MANE Select); coding-DNA position 203, A replaced by C.
Protein change: p.Asp68Ala; replaces aspartic acid 68 with alanine.
Molecular consequence: missense variant. On other transcripts: intron variant (2).
Genome position (GRCh38, 1-based): chr3:190,322,004, T>G on the plus strand (A>C on the coding strand, the complement: CLDN1 is on the minus strand). VCF-style: chr3-190322004-T-G. GRCh37 (hg19) VCF-style: chr3-190039793-T-G.
Other names: c.-279+6945T>G (NM_001378492.1); c.-279+31413T>G (NM_001378493.1); short protein forms D68A.
Identifiers: ClinVar variation 2193853 (VCV002193853.3), dbSNP rs2473915814, ClinGen allele CA355757838.